The following is an entry in ClinVar:

NM_000245.4(MET):c.3964C>G (p.Pro1322Ala)

Gene: MET (MET proto-oncogene, receptor tyrosine kinase; plus strand). Cytogenetic location: 7q31.2.
Variant type: single nucleotide variant.
Coding change: c.3964C>G on transcript NM_000245.4 (MANE Select); coding-DNA position 3964, C replaced by G.
Protein change: p.Pro1322Ala; replaces proline 1322 with alanine.
Molecular consequence: missense variant.
Genome position (GRCh38, 1-based): chr7:116,795,915, C>G. VCF-style: chr7-116795915-C-G. GRCh37 (hg19) VCF-style: chr7-116435969-C-G.
Other names: c.4018C>G, p.Pro1340Ala (NM_001127500.3); c.2674C>G, p.Pro892Ala (NM_001324402.2); c.4018C>G (NM_001127500.1); short protein forms P1322A, P892A, P1340A.
Identifiers: ClinVar variation 1423643 (VCV001423643.10), dbSNP rs368312290, ClinGen allele CA4448810.
Genomic context (GRCh38, chr7:116,795,915, plus strand): 5'-TCTCTTACAGCATGTCTTTCTTTTTGGAACAGATATGAAGTAATGCTAAAATGCTGGCAC[C>G]CTAAAGCCGAAATGCGCCCATCCTTTTCTGAACTGGTGTCCCGGATATCAGCGATCTTCT-3'
Protein context (NP_000236.2, residues 1312-1332): LYEVMLKCWH[Pro1322Ala]KAEMRPSFSE

ClinVar aggregate classification (germline): Uncertain significance. Review status: criteria provided, multiple submitters, no conflicts (2 of 4 stars). 2 submissions from 2 submitters: Uncertain significance (2). Last evaluated 2025-08-03.

Conditions:
Renal cell carcinoma. Identifiers: Orphanet 217071, MedGen C0007134, MeSH D002292, MONDO:0005086, HP:0005584.
Hereditary cancer-predisposing syndrome. Also called: Neoplastic Syndromes, Hereditary; Hereditary Cancer Syndrome; Hereditary neoplastic syndrome; Tumor predisposition. Identifiers: Orphanet 140162, MedGen C0027672, MeSH D009386, MONDO:0015356.

Allele frequency attached by ClinVar (database versions not stated): gnomAD exomes below 0.00001; ExAC 0.00001; ESP Exome Variant Server 0.00008.
gnomAD v4.1: 2 of 1,614,144 alleles (0.00012%); highest among the groups gnomAD compares: Middle Eastern, 0.016%; no homozygotes.

Submissions (2):

Labcorp Genetics (formerly Invitae), Labcorp
Classification: Uncertain significance for Renal cell carcinoma. Last evaluated: 2025-08-03. Review status: criteria provided, single submitter. Criteria: Invitae Variant Classification Sherloc (09022015). Collection method: clinical testing. Allele origin: germline.
Comment: This sequence change replaces proline, which is neutral and non-polar, with alanine, which is neutral and non-polar, at codon 1340 of the MET protein (p.Pro1340Ala). This variant is present in population databases (rs368312290, gnomAD 0.0009%). This variant has not been reported in the literature in individuals affected with MET-related conditions. ClinVar contains an entry for this variant (Variation ID: 1423643). Invitae Evidence Modeling of protein sequence and biophysical properties (such as structural, functional, and spatial information, amino acid conservation, physicochemical variation, residue mobility, and thermodynamic stability) has been performed for this missense variant. However, the output from this modeling did not meet the statistical confidence thresholds required to predict the impact of this variant on MET protein function. In summary, the available evidence is currently insufficient to determine the role of this variant in disease. Therefore, it has been classified as a Variant of Uncertain Significance.

Ambry Genetics
Classification: Uncertain significance for Hereditary cancer-predisposing syndrome. Last evaluated: 2025-06-06. Review status: criteria provided, single submitter. Criteria: Ambry Variant Classification Scheme 2023. Collection method: clinical testing. Allele origin: germline.
Comment: The p.P1340A variant (also known as c.4018C>G), located in coding exon 20 of the MET gene, results from a C to G substitution at nucleotide position 4018. The proline at codon 1340 is replaced by alanine, an amino acid with highly similar properties. This amino acid position is conserved. In addition, the in silico prediction for this alteration is inconclusive. Since supporting evidence is limited at this time, the clinical significance of this alteration remains unclear.